The following is an entry in ClinVar:

ClinVar aggregate classification (germline): Uncertain significance (1 of 4 stars; one submission).

gnomAD v4.1: 1 of 1,614,194 alleles (0.000062%); highest among the groups gnomAD compares: Non-Finnish European, 0.000085%; no homozygotes.

Submission:

GeneDx
Classification: Uncertain significance. Last evaluated: 2026-04-10. Review status: criteria provided, single submitter. Criteria: GeneDx Variant Classification Process June 2021. Collection method: clinical testing. Allele origin: germline.
Comment: Not observed at significant frequency in large population cohorts (gnomAD); In silico analysis suggests that this missense variant does not alter protein structure/function; Has not been previously published as pathogenic or benign to our knowledge

NM_001020658.2(PUM1):c.1964C>T (p.Ser655Leu)

Gene: PUM1 (pumilio RNA binding family member 1; minus strand). Cytogenetic location: 1p35.2.
Variant type: single nucleotide variant.
Coding change: c.1964C>T on transcript NM_001020658.2 (MANE Select); coding-DNA position 1964, C replaced by T.
Protein change: p.Ser655Leu; replaces serine 655 with leucine.
Molecular consequence: missense variant.
Genome position (GRCh38, 1-based): chr1:30,966,104, G>A on the plus strand (C>T on the coding strand, the complement: PUM1 is on the minus strand). VCF-style: chr1-30966104-G-A. GRCh37 (hg19) VCF-style: chr1-31438951-G-A.
Other names: c.1964C>T, p.Ser655Leu (NM_014676.3); short protein forms S655L.
Identifiers: ClinVar variation 5018414 (VCV005018414.1).